The following is an entry in ClinVar:

NM_001009944.3(PKD1):c.9893G>A (p.Trp3298Ter)

Gene: PKD1 (polycystin 1, transient receptor potential channel interacting; minus strand). Cytogenetic location: 16p13.3.
Variant type: single nucleotide variant.
Coding change: c.9893G>A on transcript NM_001009944.3 (MANE Select); coding-DNA position 9893, G replaced by A.
Protein change: p.Trp3298Ter; replaces tryptophan 3298 with a stop codon.
Molecular consequence: nonsense.
Genome position (GRCh38, 1-based): chr16:2,099,891, C>T on the plus strand (G>A on the coding strand, the complement: PKD1 is on the minus strand). VCF-style: chr16-2099891-C-T. GRCh37 (hg19) VCF-style: chr16-2149892-C-T.
Other names: c.9893G>A, p.Trp3298Ter (NM_000296.4); short protein forms W3298*.
Identifiers: ClinVar variation 4071880 (VCV004071880.1).

ClinVar aggregate classification (germline): Pathogenic (1 of 4 stars; one submission).

Submission:

GeneDx
Classification: Pathogenic. Last evaluated: 2025-01-22. Review status: criteria provided, single submitter. Criteria: GeneDx Variant Classification Process June 2021. Collection method: clinical testing. Allele origin: germline. Affected: yes.
Comment: Nonsense variant predicted to result in protein truncation or nonsense mediated decay in a gene for which loss of function is a known mechanism of disease; Not observed at significant frequency in large population cohorts (gnomAD); This variant is associated with the following publications: (PMID: 22508176, 37268502, 22383692)